The following is an entry in ClinVar:

NM_032608.7(MYO18B):c.3904G>A (p.Glu1302Lys)

Gene: MYO18B (myosin XVIIIB; plus strand). Cytogenetic location: 22q12.1.
Variant type: single nucleotide variant.
Coding change: c.3904G>A on transcript NM_032608.7 (MANE Select); coding-DNA position 3904, G replaced by A.
Protein change: p.Glu1302Lys; replaces glutamic acid 1302 with lysine.
Molecular consequence: missense variant.
Genome position (GRCh38, 1-based): chr22:25,868,338, G>A. VCF-style: chr22-25868338-G-A. GRCh37 (hg19) VCF-style: chr22-26264305-G-A.
Other names: c.3904G>A (NM_032608.5); c.3907G>A, p.Glu1303Lys (NM_001318245.2); short protein forms E1303K, E1302K.
Identifiers: ClinVar variation 1916729 (VCV001916729.5), dbSNP rs1196882615, ClinGen allele CA411006488.

ClinVar aggregate classification (germline): Uncertain significance. Review status: criteria provided, multiple submitters, no conflicts (2 of 4 stars). 2 submissions from 2 submitters: Uncertain significance (2). Last evaluated 2025-04-21.

Conditions:
Inborn genetic diseases. Identifiers: MedGen C0950123, MeSH D030342.

Allele frequency attached by ClinVar (database versions not stated): gnomAD exomes 0.00001.
gnomAD v4.1: 10 of 1,604,008 alleles (0.00062%); highest among the groups gnomAD compares: Non-Finnish European, 0.00085%; no homozygotes.

Submissions (2):

Ambry Genetics
Classification: Uncertain significance for Inborn genetic diseases. Last evaluated: 2025-04-21. Review status: criteria provided, single submitter. Criteria: Ambry Variant Classification Scheme 2023. Collection method: clinical testing. Allele origin: germline.

Labcorp Genetics (formerly Invitae), Labcorp
Classification: Uncertain significance. Last evaluated: 2025-04-02. Review status: criteria provided, single submitter. Criteria: Invitae Variant Classification Sherloc (09022015). Collection method: clinical testing. Allele origin: germline.
Comment: This sequence change replaces glutamic acid, which is acidic and polar, with lysine, which is basic and polar, at codon 1302 of the MYO18B protein (p.Glu1302Lys). This variant is present in population databases (no rsID available, gnomAD 0.002%). This variant has not been reported in the literature in individuals affected with MYO18B-related conditions. ClinVar contains an entry for this variant (Variation ID: 1916729). An algorithm developed to predict the effect of missense changes on protein structure and function outputs the following: PolyPhen-2: "Benign". The lysine amino acid residue is found in multiple mammalian species, which suggests that this missense change does not adversely affect protein function. In summary, the available evidence is currently insufficient to determine the role of this variant in disease. Therefore, it has been classified as a Variant of Uncertain Significance.